The following is an entry in ClinVar:

NC_000002.12:g.121530890T>G

Genes: CLASP1 (cytoplasmic linker associated protein 1; minus strand), CLASP1-AS1 (CLASP1 antisense RNA 1; plus strand), RNU4ATAC (RNA, U4atac small nuclear; plus strand). Cytogenetic location: 2q14.2.
Variant type: single nucleotide variant.
Molecular consequence: intron variant (on NM_001395891.1).
Genome position: GRCh38 VCF-style: chr2-121530890-T-G. GRCh37 (hg19) VCF-style: chr2-122288466-T-G.
Other names: c.196-565A>C (NM_001378003.1, NM_001395891.1, NM_001378004.1 and 5 more transcripts).
Identifiers: ClinVar variation 1506418 (VCV001506418.6), dbSNP rs909175867, ClinGen allele CA428887798.

ClinVar aggregate classification (germline): Uncertain significance (1 of 4 stars; one submission).

Allele frequency attached by ClinVar (database versions not stated): gnomAD 0.00001.
gnomAD v4.1: 3 of 693,582 alleles (0.00043%); highest among the groups gnomAD compares: African/African-American, 0.0018%; no homozygotes.

Submission:

Labcorp Genetics (formerly Invitae), Labcorp
Classification: Uncertain significance. Last evaluated: 2021-02-03. Review status: criteria provided, single submitter. Criteria: Invitae Variant Classification Sherloc (09022015). Collection method: clinical testing. Allele origin: germline.
Comment: This variant has not been reported in the literature in individuals with RNU4ATAC-related conditions. In summary, the available evidence is currently insufficient to determine the role of this variant in disease. Therefore, it has been classified as a Variant of Uncertain Significance. Experimental studies and prediction algorithms are not available or were not evaluated, and the functional significance of this variant is currently unknown. The frequency data for this variant in the population databases is considered unreliable, as metrics indicate insufficient coverage at this position in the ExAC database. This variant occurs in the RNU4ATAC gene, which encodes an RNA molecule that does not result in a protein product.